The following is an entry in ClinVar:

NM_004082.5(DCTN1):c.331T>C (p.Ser111Pro)

Gene: DCTN1 (dynactin subunit 1; minus strand). Cytogenetic location: 2p13.1.
Variant type: single nucleotide variant.
Coding change: c.331T>C on transcript NM_004082.5 (MANE Select); coding-DNA position 331, T replaced by C.
Protein change: p.Ser111Pro; replaces serine 111 with proline.
Molecular consequence: missense variant. On other transcripts: non-coding transcript variant (1).
Genome position (GRCh38, 1-based): chr2:74,377,675, A>G on the plus strand (T>C on the coding strand, the complement: DCTN1 is on the minus strand). VCF-style: chr2-74377675-A-G. GRCh37 (hg19) VCF-style: chr2-74604802-A-G.
Other names: c.331T>C, p.Ser111Pro (NM_001135040.3, NM_001190837.2); c.280T>C, p.Ser94Pro (NM_001190836.2, NM_001378991.1, NM_001378992.1); short protein forms S111P, S94P.
Identifiers: ClinVar variation 1730191 (VCV001730191.2), dbSNP rs2529212943, ClinGen allele CA347321103.

ClinVar aggregate classification (germline): Uncertain significance (1 of 4 stars; one submission).

Conditions:
Inborn genetic diseases. Identifiers: MedGen C0950123, MeSH D030342.

Submission:

Ambry Genetics
Classification: Uncertain significance for Inborn genetic diseases. Last evaluated: 2019-11-06. Review status: criteria provided, single submitter. Criteria: Ambry Variant Classification Scheme 2023. Collection method: clinical testing. Allele origin: germline.
Comment: The p.S111P variant (also known as c.331T>C), located in coding exon 3 of the DCTN1 gene, results from a T to C substitution at nucleotide position 331. The serine at codon 111 is replaced by proline, an amino acid with similar properties. This amino acid position is not well conserved in available vertebrate species, and proline is the reference amino acid in other vertebrate species. In addition, this alteration is predicted to be tolerated by in silico analysis. Since supporting evidence is limited at this time, the clinical significance of this alteration remains unclear.